The following is an entry in ClinVar:

ClinVar aggregate classification (germline): Uncertain significance (1 of 4 stars; one submission).

Allele frequency attached by ClinVar (database versions not stated): gnomAD exomes 0.00004 and 0.00008; TOPMed 0.00005; ExAC 0.00006; gnomAD 0.00006 and 0.00007.
gnomAD v4.1: 119 of 1,612,750 alleles (0.0074%); highest among the groups gnomAD compares: Non-Finnish European, 0.0098%; no homozygotes.

Submission:

Labcorp Genetics (formerly Invitae), Labcorp
Classification: Uncertain significance. Last evaluated: 2024-10-14. Review status: criteria provided, single submitter. Criteria: Invitae Variant Classification Sherloc (09022015). Collection method: clinical testing. Allele origin: germline.
Comment: This sequence change replaces arginine, which is basic and polar, with tryptophan, which is neutral and slightly polar, at codon 2665 of the HTT protein (p.Arg2665Trp). This variant is present in population databases (rs765523847, gnomAD 0.02%). This variant has not been reported in the literature in individuals affected with HTT-related conditions. ClinVar contains an entry for this variant (Variation ID: 1424382). Experimental studies and prediction algorithms are not available or were not evaluated, and the functional significance of this variant is currently unknown. In summary, the available evidence is currently insufficient to determine the role of this variant in disease. Therefore, it has been classified as a Variant of Uncertain Significance.

NM_001388492.1(HTT):c.7987C>T (p.Arg2663Trp)

Gene: HTT (huntingtin; plus strand). Cytogenetic location: 4p16.3.
Variant type: single nucleotide variant.
Coding change: c.7987C>T on transcript NM_001388492.1 (MANE Select); coding-DNA position 7987, C replaced by T.
Protein change: p.Arg2663Trp; replaces arginine 2663 with tryptophan.
Molecular consequence: missense variant.
Genome position (GRCh38, 1-based): chr4:3,228,887, C>T. VCF-style: chr4-3228887-C-T. GRCh37 (hg19) VCF-style: chr4-3230614-C-T.
Other names: c.7993C>T, p.Arg2665Trp (NM_002111.8); short protein forms R2665W, R2663W.
Identifiers: ClinVar variation 1424382 (VCV001424382.6), dbSNP rs765523847, ClinGen allele CA2825566.
Genomic context (GRCh38, chr4:3,228,887, plus strand): 5'-ATGAGCCTCTCATCTCATGTACTTGGAAAATACCCATCTCGCATATTCCACAGGAAACAC[C>T]GGGCTGGAGTTGACATCCACTCCTGTTCGCAGTTTTTGCTTGAGTTGTACAGCCGCTGGA-3'
Protein context (NP_001375421.1, residues 2653-2673): PTSPVNSRKH[Arg2663Trp]AGVDIHSCSQ